The following is an entry in ClinVar:

ClinVar aggregate classification (germline): Uncertain significance. Review status: criteria provided, multiple submitters, no conflicts (2 of 4 stars). 2 submissions from 2 submitters: Uncertain significance (2). Last evaluated 2025-09-05.

Conditions:
Dilated cardiomyopathy 1O (CMD1O). Also called: CARDIOMYOPATHY, DILATED, WITH VENTRICULAR TACHYCARDIA. Identifiers: Orphanet 154, MedGen C1837839, MONDO:0012062, OMIM 608569.

Allele frequency attached by ClinVar (database versions not stated): gnomAD exomes below 0.00001 and 0.00001.
gnomAD v4.1: 4 of 1,613,664 alleles (0.00025%); highest among the groups gnomAD compares: Non-Finnish European, 0.00034%; no homozygotes.

Submissions (2):

Labcorp Genetics (formerly Invitae), Labcorp
Classification: Uncertain significance for Dilated cardiomyopathy 1O. Last evaluated: 2025-09-05. Review status: criteria provided, single submitter. Criteria: Invitae Variant Classification Sherloc (09022015). Collection method: clinical testing. Allele origin: germline.
Comment: This sequence change replaces alanine, which is neutral and non-polar, with valine, which is neutral and non-polar, at codon 78 of the ABCC9 protein (p.Ala78Val). This variant is present in population databases (no rsID available, gnomAD 0.0009%). This variant has not been reported in the literature in individuals affected with ABCC9-related conditions. ClinVar contains an entry for this variant (Variation ID: 1192214). Invitae Evidence Modeling of protein sequence and biophysical properties (such as structural, functional, and spatial information, amino acid conservation, physicochemical variation, residue mobility, and thermodynamic stability) indicates that this missense variant is not expected to disrupt ABCC9 protein function with a negative predictive value of 95%. In summary, the available evidence is currently insufficient to determine the role of this variant in disease. Therefore, it has been classified as a Variant of Uncertain Significance.

Women's Health and Genetics/Laboratory Corporation of America, LabCorp
Classification: Uncertain significance. Last evaluated: 2021-07-12. Review status: criteria provided, single submitter. Criteria: LabCorp Variant Classification Summary - May 2015. Collection method: clinical testing. Allele origin: germline.
Comment: Variant summary: ABCC9 c.233C>T (p.Ala78Val) results in a non-conservative amino acid change in the encoded protein sequence. Three of four in-silico tools predict a benign effect of the variant on protein function. The variant allele was found at a frequency of 4e-06 in 251370 control chromosomes. The available data on variant occurrences in the general population are insufficient to allow any conclusion about variant significance. To our knowledge, no occurrence of c.233C>T in individuals affected with Dilated Cardiomyopathy and no experimental evidence demonstrating its impact on protein function have been reported. No clinical diagnostic laboratories have submitted clinical-significance assessments for this variant to ClinVar after 2014. Based on the evidence outlined above, the variant was classified as uncertain significance.

NM_020297.4(ABCC9):c.233C>T (p.Ala78Val)

Gene: ABCC9 (ATP binding cassette subfamily C member 9; minus strand). Cytogenetic location: 12p12.1.
Variant type: single nucleotide variant.
Coding change: c.233C>T on transcript NM_020297.4 (MANE Select); coding-DNA position 233, C replaced by T.
Protein change: p.Ala78Val; replaces alanine 78 with valine.
Molecular consequence: missense variant. On other transcripts: 5 prime UTR variant (1).
Genome position (GRCh38, 1-based): chr12:21,933,833, G>A on the plus strand (C>T on the coding strand, the complement: ABCC9 is on the minus strand). VCF-style: chr12-21933833-G-A. GRCh37 (hg19) VCF-style: chr12-22086767-G-A.
Other names: c.233C>T, p.Ala78Val (NM_001377273.1, NM_005691.4); c.-222C>T (NM_001377274.1); short protein forms A78V.
Identifiers: ClinVar variation 1192214 (VCV001192214.6), dbSNP rs1253372454, ClinGen allele CA384131493.